The following is an entry in ClinVar:

NM_001844.5(COL2A1):c.4283G>A (p.Arg1428Lys)

Gene: COL2A1 (collagen type II alpha 1 chain; minus strand). Cytogenetic location: 12q13.11.
Variant type: single nucleotide variant.
Coding change: c.4283G>A on transcript NM_001844.5 (MANE Select); coding-DNA position 4283, G replaced by A.
Protein change: p.Arg1428Lys; replaces arginine 1428 with lysine.
Molecular consequence: missense variant.
Genome position (GRCh38, 1-based): chr12:47,974,123, C>T on the plus strand (G>A on the coding strand, the complement: COL2A1 is on the minus strand). VCF-style: chr12-47974123-C-T. GRCh37 (hg19) VCF-style: chr12-48367906-C-T.
Other names: c.4076G>A, p.Arg1359Lys (NM_033150.3); short protein forms R1428K, R1359K.
Identifiers: ClinVar variation 4747037 (VCV004747037.1).

ClinVar aggregate classification (germline): Uncertain significance (1 of 4 stars; one submission).

gnomAD v4.1: 1 of 1,613,996 alleles (0.000062%); no homozygotes.

Submission:

Labcorp Genetics (formerly Invitae), Labcorp
Classification: Uncertain significance. Last evaluated: 2025-09-10. Review status: criteria provided, single submitter. Criteria: Invitae Variant Classification Sherloc (09022015). Collection method: clinical testing. Allele origin: germline.
Comment: This sequence change replaces arginine, which is basic and polar, with lysine, which is basic and polar, at codon 1428 of the COL2A1 protein (p.Arg1428Lys). This variant is not present in population databases (gnomAD no frequency). This variant has not been reported in the literature in individuals affected with COL2A1-related conditions. Invitae Evidence Modeling of protein sequence and biophysical properties (such as structural, functional, and spatial information, amino acid conservation, physicochemical variation, residue mobility, and thermodynamic stability) indicates that this missense variant is not expected to disrupt COL2A1 protein function with a negative predictive value of 95%. In summary, the available evidence is currently insufficient to determine the role of this variant in disease. Therefore, it has been classified as a Variant of Uncertain Significance.